The following is an entry in ClinVar:

NM_015160.3(PMPCA):c.825G>T (p.Gln275His)

Genes: PMPCA (peptidase, mitochondrial processing subunit alpha; plus strand), LOC126860792 (CDK7 strongly-dependent group 2 enhancer GRCh37_chr9:139310410-139311609; plus strand). Cytogenetic location: 9q34.3.
Variant type: single nucleotide variant.
Coding change: c.825G>T on transcript NM_015160.3 (MANE Select); coding-DNA position 825, G replaced by T.
Protein change: p.Gln275His; replaces glutamine 275 with histidine.
Molecular consequence: missense variant.
Genome position (GRCh38, 1-based): chr9:136,417,142, G>T. VCF-style: chr9-136417142-G-T. GRCh37 (hg19) VCF-style: chr9-139311594-G-T.
Other names: c.432G>T, p.Gln144His (NM_001282944.2); c.525G>T, p.Gln175His (NM_001282946.2); short protein forms Q144H, Q175H, Q275H.
Identifiers: ClinVar variation 3614071 (VCV003614071.2).

ClinVar aggregate classification (germline): Uncertain significance (1 of 4 stars; one submission).

Submission:

Labcorp Genetics (formerly Invitae), Labcorp
Classification: Uncertain significance. Last evaluated: 2024-09-27. Review status: criteria provided, single submitter. Criteria: Invitae Variant Classification Sherloc (09022015). Collection method: clinical testing. Allele origin: germline.
Comment: This sequence change replaces glutamine, which is neutral and polar, with histidine, which is basic and polar, at codon 275 of the PMPCA protein (p.Gln275His). This variant is not present in population databases (gnomAD no frequency). This variant has not been reported in the literature in individuals affected with PMPCA-related conditions. Invitae Evidence Modeling of protein sequence and biophysical properties (such as structural, functional, and spatial information, amino acid conservation, physicochemical variation, residue mobility, and thermodynamic stability) indicates that this missense variant is not expected to disrupt PMPCA protein function with a negative predictive value of 80%. In summary, the available evidence is currently insufficient to determine the role of this variant in disease. Therefore, it has been classified as a Variant of Uncertain Significance.